The following is an entry in ClinVar:

ClinVar aggregate classification (germline): Uncertain significance (1 of 4 stars; one submission).

Conditions:
Deficiency of hydroxymethylglutaryl-CoA lyase (HMGCLD). Also called: HMGCL DEFICIENCY; HYDROXYMETHYLGLUTARIC ACIDURIA; Defect in leucine metabolism; 3-hydroxy-3-methylglutaric aciduria; HMG-CoA LYASE DEFICIENCY. Identifiers: Orphanet 20, MedGen C1533587, MONDO:0009520, OMIM 246450.

Allele frequency attached by ClinVar (database versions not stated): gnomAD exomes below 0.00001; ExAC 0.00001.

Submission:

Labcorp Genetics (formerly Invitae), Labcorp
Classification: Uncertain significance for Deficiency of hydroxymethylglutaryl-CoA lyase. Last evaluated: 2023-11-27. Review status: criteria provided, single submitter. Criteria: Invitae Variant Classification Sherloc (09022015). Collection method: clinical testing. Allele origin: germline.
Comment: This sequence change replaces alanine, which is neutral and non-polar, with threonine, which is neutral and polar, at codon 241 of the HMGCL protein (p.Ala241Thr). This variant is present in population databases (rs763416473, gnomAD 0.007%). This variant has not been reported in the literature in individuals affected with HMGCL-related conditions. ClinVar contains an entry for this variant (Variation ID: 1463235). Advanced modeling of protein sequence and biophysical properties (such as structural, functional, and spatial information, amino acid conservation, physicochemical variation, residue mobility, and thermodynamic stability) performed at Invitae indicates that this missense variant is expected to disrupt HMGCL protein function with a positive predictive value of 80%. In summary, the available evidence is currently insufficient to determine the role of this variant in disease. Therefore, it has been classified as a Variant of Uncertain Significance.

NM_000191.3(HMGCL):c.721G>A (p.Ala241Thr)

Gene: HMGCL (3-hydroxy-3-methylglutaryl-CoA lyase; minus strand). Cytogenetic location: 1p36.11.
Variant type: single nucleotide variant.
Coding change: c.721G>A on transcript NM_000191.3 (MANE Select); coding-DNA position 721, G replaced by A.
Protein change: p.Ala241Thr; replaces alanine 241 with threonine.
Molecular consequence: missense variant.
Genome position (GRCh38, 1-based): chr1:23,808,164, C>T on the plus strand (G>A on the coding strand, the complement: HMGCL is on the minus strand). VCF-style: chr1-23808164-C-T. GRCh37 (hg19) VCF-style: chr1-24134654-C-T.
Other names: c.508G>A, p.Ala170Thr (NM_001166059.2); short protein forms A241T, A170T.
Identifiers: ClinVar variation 1463235 (VCV001463235.8), dbSNP rs763416473, ClinGen allele CA686001.